The following is an entry in ClinVar:

ClinVar aggregate classification (germline): Pathogenic (1 of 4 stars; one submission).

Conditions:
Neurofibromatosis, type 1 (NF1). Also called: VON RECKLINGHAUSEN DISEASE; Peripheral type neurofibromatosis; NEUROFIBROMATOSIS, TYPE I, SOMATIC; Neurofibromatosis, type I. Identifiers: Orphanet 636, MedGen C0027831, MONDO:0018975, OMIM 162200. Disease mechanism: loss of function.

Submission:

Labcorp Genetics (formerly Invitae), Labcorp
Classification: Pathogenic for Neurofibromatosis, type 1. Last evaluated: 2020-04-23. Review status: criteria provided, single submitter. Criteria: Invitae Variant Classification Sherloc (09022015). Collection method: clinical testing. Allele origin: germline.
Comment: This sequence change creates a premature translational stop signal (p.Ala323Glyfs*7) in the NF1 gene. It is expected to result in an absent or disrupted protein product. For these reasons, this variant has been classified as Pathogenic. Loss-of-function variants in NF1 are known to be pathogenic (PMID: 10712197, 23913538). This variant has not been reported in the literature in individuals with NF1-related conditions. This variant is not present in population databases (ExAC no frequency).

Literature cited by the submitters: PubMed 10712197; PubMed 23913538.

NM_001042492.3(NF1):c.967dup (p.Ala323fs)

Gene: NF1 (neurofibromin 1; plus strand). Cytogenetic location: 17q11.2.
Variant type: Duplication.
Coding change: c.967dup on transcript NM_001042492.3 (MANE Select); coding-DNA position 967, one base duplicated (G; older notation c.967dupG).
Protein change: p.Ala323fs; shifts the reading frame from alanine 323.
Molecular consequence: frameshift variant.
Genome position (GRCh38, 1-based): chr17:31,200,500, G duplicated. VCF-style (leftmost placement, unchanged base first): chr17-31200499-T-TG. GRCh37 (hg19) VCF-style: chr17-29527517-T-TG.
Other names: c.967dup, p.Ala323Glyfs (NM_000267.4); c.967dup, p.Ala323fs (NM_001128147.3); short protein forms A323fs.
Identifiers: ClinVar variation 1072771 (VCV001072771.5), dbSNP rs2143873095, ClinGen allele CA2499224010.
Genomic context (GRCh38, chr17:31,200,499, plus strand): 5'-TCTACGAAAAGCTCTTGCTGGCCATGGAGGAAGTAGGCAGCTGACAGAAAGTGCTGCAAT[T>TG]GCCTGTGTCAAACTGTGTAAAGCAAGTACTTACATCAATTGGGAAGATAACTCTGTCATT-3'